The following is an entry in ClinVar:

ClinVar aggregate classification (germline): Likely benign. Review status: criteria provided, multiple submitters, no conflicts (2 of 4 stars). 2 submissions from 2 submitters: Likely benign (2). Last evaluated 2024-12-06.

Conditions:
LAMA2-related muscular dystrophy (LAMA2-RD). Also called: Laminin alpha 2-related dystrophy. Identifiers: MedGen C5679788, MONDO:0100228.

Allele frequency attached by ClinVar (database versions not stated): gnomAD exomes 0.00001 and 0.00002; TOPMed 0.00008; gnomAD 0.00011.
gnomAD v4.1: 26 of 1,611,122 alleles (0.0016%); highest among the groups gnomAD compares: Admixed American, 0.035%; 1 homozygote.

Submissions (2):

Labcorp Genetics (formerly Invitae), Labcorp
Classification: Likely benign for LAMA2-related muscular dystrophy. Last evaluated: 2024-12-06. Review status: criteria provided, single submitter. Criteria: Invitae Variant Classification Sherloc (09022015). Collection method: clinical testing. Allele origin: germline.

GeneDx
Classification: Likely benign. Last evaluated: 2016-09-01. Review status: criteria provided, single submitter. Criteria: GeneDx Variant Classification (06012015). Collection method: clinical testing. Allele origin: germline. Affected: yes.
Comment: This variant is considered likely benign or benign based on one or more of the following criteria: it is a conservative change, it occurs at a poorly conserved position in the protein, it is predicted to be benign by multiple in silico algorithms, and/or has population frequency not consistent with disease.

NM_000426.4(LAMA2):c.8244+13A>G

Gene: LAMA2 (laminin subunit alpha 2; plus strand). Cytogenetic location: 6q22.33.
Variant type: single nucleotide variant.
Coding change: c.8244+13A>G on transcript NM_000426.4 (MANE Select); 13 bases into the intron after coding-DNA position 8244, A replaced by G.
Molecular consequence: intron variant.
Genome position (GRCh38, 1-based): chr6:129,492,496, A>G. VCF-style: chr6-129492496-A-G. GRCh37 (hg19) VCF-style: chr6-129813641-A-G.
Other names: c.8232+13A>G (NM_001079823.2).
Identifiers: ClinVar variation 388923 (VCV000388923.6), dbSNP rs1057523272, ClinGen allele CA16604853.